The following is an entry in ClinVar:

NM_006393.3(NEBL):c.670A>G (p.Lys224Glu)

Gene: NEBL (nebulette; minus strand). Cytogenetic location: 10p12.31.
Variant type: single nucleotide variant.
Coding change: c.670A>G on transcript NM_006393.3 (MANE Select); coding-DNA position 670, A replaced by G.
Protein change: p.Lys224Glu; replaces lysine 224 with glutamic acid.
Molecular consequence: missense variant. On other transcripts: intron variant (9).
Genome position (GRCh38, 1-based): chr10:20,868,678, T>C on the plus strand (A>G on the coding strand, the complement: NEBL is on the minus strand). VCF-style: chr10-20868678-T-C. GRCh37 (hg19) VCF-style: chr10-21157607-T-C.
Other names: c.250-55738A>G (NM_001377326.1, NM_001377327.1, NM_001377328.1); c.358-55738A>G (NM_213569.2, NM_001173484.2, NM_001377322.1); c.301-55738A>G (NM_001377324.1); c.292-55738A>G (NM_001377325.1); c.310-55738A>G (NM_001377323.1); short protein forms K224E.
Identifiers: ClinVar variation 454276 (VCV000454276.10), dbSNP rs148079637, ClinGen allele CA5433161.

ClinVar aggregate classification (germline): Uncertain significance. Review status: criteria provided, multiple submitters, no conflicts (2 of 4 stars). 2 submissions from 2 submitters: Uncertain significance (2). Last evaluated 2025-03-20.

Conditions:
Primary dilated cardiomyopathy (DCM). Also called: Dilated Cardiomyopathy. Identifiers: Orphanet 217604, MedGen C0007193, MeSH D002311, MONDO:0005021, HP:0001644. Inheritance: Various modes of inheritance.

Allele frequency attached by ClinVar (database versions not stated): gnomAD 0.00003; ExAC 0.00004; gnomAD exomes 0.00005 and 0.00013; TOPMed 0.00005; ESP Exome Variant Server 0.00023.
gnomAD v4.1: 189 of 1,607,946 alleles (0.012%); highest among the groups gnomAD compares: Non-Finnish European, 0.016%; no homozygotes.

Submissions (2):

Labcorp Genetics (formerly Invitae), Labcorp
Classification: Uncertain significance for Primary dilated cardiomyopathy. Last evaluated: 2025-03-20. Review status: criteria provided, single submitter. Criteria: Invitae Variant Classification Sherloc (09022015). Collection method: clinical testing. Allele origin: germline.
Comment: This sequence change replaces lysine, which is basic and polar, with glutamic acid, which is acidic and polar, at codon 224 of the NEBL protein (p.Lys224Glu). This variant is present in population databases (rs148079637, gnomAD 0.009%). This variant has not been reported in the literature in individuals affected with NEBL-related conditions. ClinVar contains an entry for this variant (Variation ID: 454276). An algorithm developed to predict the effect of missense changes on protein structure and function (PolyPhen-2) suggests that this variant is likely to be disruptive. In summary, the available evidence is currently insufficient to determine the role of this variant in disease. Therefore, it has been classified as a Variant of Uncertain Significance.

Ambry Genetics
Classification: Uncertain significance. Last evaluated: 2023-12-29. Review status: criteria provided, single submitter. Criteria: Ambry Variant Classification Scheme 2023. Collection method: clinical testing. Allele origin: germline.
Comment: The p.K224E variant (also known as c.670A>G), located in coding exon 7 of the NEBL gene, results from an A to G substitution at nucleotide position 670. The lysine at codon 224 is replaced by glutamic acid, an amino acid with similar properties. This amino acid position is conserved. In addition, this alteration is predicted to be tolerated by in silico analysis. Since supporting evidence is limited at this time, the clinical significance of this alteration remains unclear.